The following is an entry in ClinVar:

NM_007294.4(BRCA1):c.3107_3112del (p.Phe1036_Glu1038delinsTer)

Gene: BRCA1 (BRCA1 DNA repair associated; minus strand). Cytogenetic location: 17q21.31.
Variant type: Deletion.
Coding change: c.3107_3112del on transcript NM_007294.4 (MANE Select); coding-DNA positions 3107 to 3112, 6 bases deleted (TTAAAG; older notation c.3107_3112delTTAAAG).
Protein change: p.Phe1036_Glu1038delinsTer.
Molecular consequence: nonsense. On other transcripts: intron variant (137).
Genome position (GRCh38, 1-based): chr17:43,092,419-43,092,424, CTTTAA deleted on the plus strand (TTAAAG on the coding strand, the reverse complement: BRCA1 is on the minus strand). VCF-style (leftmost placement, unchanged base first): chr17-43092418-TCTTTAA-T. GRCh37 (hg19) VCF-style: chr17-41244435-TCTTTAA-T.
Other names: 3226del6; c.2966_2971del, p.Phe989_Glu991delinsTer (NM_001407726.1, NM_001407727.1, NM_001407728.1 and 29 more transcripts); c.2963_2968del, p.Phe988_Glu990delinsTer (NM_001407740.1, NM_001407741.1, NM_001407742.1 and 20 more transcripts); c.2894_2899del, p.Phe965_Glu967delinsTer (NM_001407853.1, NM_001407894.1, NM_001407895.1 and 9 more transcripts); c.3107_3112del, p.Phe1036_Glu1038delinsTer (NM_001407854.1, NM_001407858.1, NM_001407859.1 and 30 more transcripts); c.3104_3109del, p.Phe1035_Glu1037delinsTer (NM_001407860.1, NM_001407861.1, NM_001407587.1 and 22 more transcripts); c.2906_2911del, p.Phe969_Glu971delinsTer (NM_001407862.1); c.2984_2989del, p.Phe995_Glu997delinsTer (NM_001407863.1, NM_001407919.1, NM_001407937.1 and 19 more transcripts); and 42 more.
Identifiers: ClinVar variation 54770 (VCV000054770.4), dbSNP rs80357920, ClinGen allele CA002032.

ClinVar aggregate classification (germline): Pathogenic. Review status: reviewed by expert panel (3 of 4 stars). 2 submissions from 2 submitters: Pathogenic (1). 1 of the submissions does not count toward it. Last evaluated 2016-09-08.

Conditions:
Breast-ovarian cancer, familial, susceptibility to, 1 (BROVCA1). Also called: OVARIAN CANCER, SUSCEPTIBILITY TO; BRCA1 Hereditary Breast and Ovarian Cancer. Identifiers: Orphanet 145, MedGen C2676676, MONDO:0011450, OMIM 604370. Disease mechanism: loss of function.

Submissions (2):

Evidence-based Network for the Interpretation of Germline Mutant Alleles (ENIGMA)
Classification: Pathogenic for Breast-ovarian cancer, familial, susceptibility to, 1. Last evaluated: 2016-09-08. Review status: reviewed by expert panel. Criteria: ENIGMA BRCA1/2 Classification Criteria (2015). Collection method: curation. Allele origin: germline.
Comment: Variant allele predicted to encode a truncated non-functional protein.

Breast Cancer Information Core (BIC) (BRCA1)
Classification: Pathogenic for Breast-ovarian cancer, familial 1. Review status: no assertion criteria provided. Collection method: clinical testing. Allele origin: germline. Affected: yes. Observed: 1 variant allele. Not counted in ClinVar's aggregate classification.